The following is an entry in ClinVar:

ClinVar aggregate classification (germline): Uncertain significance (1 of 4 stars; one submission).

Submission:

CeGaT Center for Human Genetics Tuebingen
Classification: Uncertain significance. Last evaluated: 2024-01-01. Review status: criteria provided, single submitter. Criteria: CeGaT Center For Human Genetics Tuebingen Variant Classification Criteria Version 2. Collection method: clinical testing. Allele origin: germline. Affected: yes. Observed: 1 variant allele.
Comment: CUX1: PM2

NM_181552.4(CUX1):c.2752C>G (p.Pro918Ala)

Gene: CUX1 (cut like homeobox 1; plus strand). Cytogenetic location: 7q22.1.
Variant type: single nucleotide variant.
Coding change: c.2752C>G on transcript NM_181552.4 (MANE Select); coding-DNA position 2752, C replaced by G.
Protein change: p.Pro918Ala; replaces proline 918 with alanine.
Molecular consequence: missense variant. On other transcripts: intron variant (5).
Genome position (GRCh38, 1-based): chr7:102,202,049, C>G. VCF-style: chr7-102202049-C-G. GRCh37 (hg19) VCF-style: chr7-101845329-C-G.
Other names: c.1138+6446C>G (NM_001202546.3); c.2785C>G, p.Pro929Ala (NM_001202543.2); c.1255+6446C>G (NM_001913.5); c.1249+6446C>G (NM_181500.4); c.1117+6446C>G (NM_001202545.3); c.1207+6446C>G (NM_001202544.3); short protein forms P918A, P929A.
Identifiers: ClinVar variation 3026930 (VCV003026930.22), dbSNP rs782557181, ClinGen allele CA368684112.